The following is an entry in ClinVar:

NM_001365951.3(KIF1B):c.2875_2883del (p.Gly959_Asp961del)

Genes: KIF1B (kinesin family member 1B; plus strand), LOC126805614 (BRD4-independent group 4 enhancer GRCh37_chr1:10385546-10386745; plus strand). Cytogenetic location: 1p36.22.
Variant type: Deletion.
Coding change: c.2875_2883del on transcript NM_001365951.3 (MANE Select); coding-DNA positions 2875 to 2883, 9 bases deleted (GGGCATGAC; older notation c.2875_2883delGGGCATGAC).
Protein change: p.Gly959_Asp961del.
Molecular consequence: inframe deletion.
Genome position (GRCh38, 1-based): chr1:10,326,310-10,326,318, GGGCATGAC deleted; deleting any 9 consecutive bases within chr1:10,326,306-10,326,318 gives the same sequence; the c. name uses the placement nearest the transcript's 3' end. VCF-style (leftmost placement, unchanged base first): chr1-10326305-GTGACGGGCA-G. GRCh37 (hg19) VCF-style: chr1-10386363-GTGACGGGCA-G.
Other names: c.2737_2745delGGGCATGAC (NM_015074.3); c.2875_2883del, p.Gly959_Asp961del (NM_001365952.1); c.2737_2745del, p.Gly913_Asp915del (NM_015074.3).
Identifiers: ClinVar variation 1353668 (VCV001353668.10), dbSNP rs1651722145, ClinGen allele CA645511972.

ClinVar aggregate classification (germline): Uncertain significance. Review status: criteria provided, multiple submitters, no conflicts (2 of 4 stars). 2 submissions from 2 submitters: Uncertain significance (2). Last evaluated 2024-11-03.

Conditions:
Charcot-Marie-Tooth disease type 2. Also called: Charcot-Marie-Tooth type 2. Identifiers: Orphanet 64746, MedGen C0270914, MONDO:0018993.

Submissions (2):

Labcorp Genetics (formerly Invitae), Labcorp
Classification: Uncertain significance for Charcot-Marie-Tooth disease type 2. Last evaluated: 2024-11-03. Review status: criteria provided, single submitter. Criteria: Invitae Variant Classification Sherloc (09022015). Collection method: clinical testing. Allele origin: germline.
Comment: This variant, c.2737_2745del, results in the deletion of 3 amino acid(s) of the KIF1B protein (p.Gly913_Asp915del), but otherwise preserves the integrity of the reading frame. This variant is not present in population databases (gnomAD no frequency). This variant has not been reported in the literature in individuals affected with KIF1B-related conditions. ClinVar contains an entry for this variant (Variation ID: 1353668). Experimental studies and prediction algorithms are not available or were not evaluated, and the functional significance of this variant is currently unknown. In summary, the available evidence is currently insufficient to determine the role of this variant in disease. Therefore, it has been classified as a Variant of Uncertain Significance.

Ambry Genetics
Classification: Uncertain significance. Last evaluated: 2023-06-22. Review status: criteria provided, single submitter. Criteria: Ambry Variant Classification Scheme 2023. Collection method: clinical testing. Allele origin: germline.
Comment: The c.2737_2745delGGGCATGAC variant (also known as p.G913_D915del) is located in coding exon 24 of the KIF1B gene. This variant results from an in-frame GGGCATGAC deletion at nucleotide positions 2737 to 2745. This results in the in-frame deletion of glycine, histidine, and aspartic acid at codons 913 to 915. This amino acid region is well conserved in available vertebrate species. In addition, this alteration is predicted to be deleterious by in silico analysis (Choi Y et al. PLoS ONE. 2012; 7(10):e46688). The evidence for this gene-disease relationship is limited; therefore, the clinical significance of this alteration is unclear.